The following is an entry in ClinVar:

NM_080860.4(RSPH1):c.634dup (p.Thr212fs)

Gene: RSPH1 (radial spoke head component 1; minus strand). Cytogenetic location: 21q22.3.
Variant type: Duplication.
Coding change: c.634dup on transcript NM_080860.4 (MANE Select); coding-DNA position 634, one base duplicated (A; older notation c.634dupA).
Protein change: p.Thr212fs; shifts the reading frame from threonine 212.
Molecular consequence: frameshift variant.
Genome position (GRCh38, 1-based): chr21:42,477,384, T duplicated on the plus strand (A on the coding strand, the reverse complement: RSPH1 is on the minus strand). VCF-style (leftmost placement, unchanged base first): chr21-42477383-G-GT. GRCh37 (hg19) VCF-style: chr21-43897493-G-GT.
Other names: c.520dup, p.Thr174fs (NM_001286506.2); short protein forms T174fs, T212fs.
Identifiers: ClinVar variation 2134672 (VCV002134672.4), dbSNP rs2517333595, ClinGen allele CA2580098731.

ClinVar aggregate classification (germline): Pathogenic (1 of 4 stars; one submission).

Conditions:
Primary ciliary dyskinesia. Also called: Ciliary dyskinesia. Identifiers: Orphanet 244, MedGen C0008780, MONDO:0016575, HP:0012265.

Allele frequency attached by ClinVar (database versions not stated): gnomAD exomes below 0.00001.

Submission:

Labcorp Genetics (formerly Invitae), Labcorp
Classification: Pathogenic for Primary ciliary dyskinesia. Last evaluated: 2022-07-01. Review status: criteria provided, single submitter. Criteria: Invitae Variant Classification Sherloc (09022015). Collection method: clinical testing. Allele origin: germline.
Comment: This variant is not present in population databases (gnomAD no frequency). This sequence change creates a premature translational stop signal (p.Thr212Asnfs*5) in the RSPH1 gene. It is expected to result in an absent or disrupted protein product. Loss-of-function variants in RSPH1 are known to be pathogenic (PMID: 23993197). This variant has not been reported in the literature in individuals affected with RSPH1-related conditions. For these reasons, this variant has been classified as Pathogenic.

Literature cited by the submitters: PubMed 23993197.